The following is an entry in ClinVar:

ClinVar aggregate classification (germline): Uncertain significance. Review status: criteria provided, multiple submitters, no conflicts (2 of 4 stars). 2 submissions from 2 submitters: Uncertain significance (2). Last evaluated 2025-09-05.

Conditions:
Hereditary cancer-predisposing syndrome. Also called: Hereditary neoplastic syndrome; Neoplastic Syndromes, Hereditary; Tumor predisposition; Hereditary Cancer Syndrome. Identifiers: Orphanet 140162, MedGen C0027672, MeSH D009386, MONDO:0015356.

Allele frequency attached by ClinVar (database versions not stated): gnomAD exomes below 0.00001.
gnomAD v4.1: 5 of 1,613,926 alleles (0.00031%); highest among the groups gnomAD compares: Non-Finnish European, 0.00042%; no homozygotes.

Submissions (2):

Ambry Genetics
Classification: Uncertain significance for Hereditary cancer-predisposing syndrome. Last evaluated: 2025-09-05. Review status: criteria provided, single submitter. Criteria: Ambry Variant Classification Scheme 2023. Collection method: clinical testing. Allele origin: germline.
Comment: The p.R551W variant (also known as c.1651C>T), located in coding exon 11 of the CTNNA1 gene, results from a C to T substitution at nucleotide position 1651. The arginine at codon 551 is replaced by tryptophan, an amino acid with dissimilar properties. This amino acid position is highly conserved in available vertebrate species. In addition, this alteration is predicted to be deleterious by in silico analysis. Based on the available evidence, the clinical significance of this variant remains unclear.

Labcorp Genetics (formerly Invitae), Labcorp
Classification: Uncertain significance. Last evaluated: 2023-12-31. Review status: criteria provided, single submitter. Criteria: Invitae Variant Classification Sherloc (09022015). Collection method: clinical testing. Allele origin: germline.
Comment: This sequence change replaces arginine, which is basic and polar, with tryptophan, which is neutral and slightly polar, at codon 551 of the CTNNA1 protein (p.Arg551Trp). This variant is not present in population databases (gnomAD no frequency). This variant has not been reported in the literature in individuals affected with CTNNA1-related conditions. ClinVar contains an entry for this variant (Variation ID: 836078). Advanced modeling of protein sequence and biophysical properties (such as structural, functional, and spatial information, amino acid conservation, physicochemical variation, residue mobility, and thermodynamic stability) performed at Invitae indicates that this missense variant is expected to disrupt CTNNA1 protein function with a positive predictive value of 80%. In summary, the available evidence is currently insufficient to determine the role of this variant in disease. Therefore, it has been classified as a Variant of Uncertain Significance.

NM_001903.5(CTNNA1):c.1651C>T (p.Arg551Trp)

Gene: CTNNA1 (catenin alpha 1; plus strand). Cytogenetic location: 5q31.2.
Variant type: single nucleotide variant.
Coding change: c.1651C>T on transcript NM_001903.5 (MANE Select); coding-DNA position 1651, C replaced by T.
Protein change: p.Arg551Trp; replaces arginine 551 with tryptophan.
Molecular consequence: missense variant.
Genome position (GRCh38, 1-based): chr5:138,924,614, C>T. VCF-style: chr5-138924614-C-T. GRCh37 (hg19) VCF-style: chr5-138260303-C-T.
Other names: c.1651C>T, p.Arg551Trp (NM_001290307.3, NM_001323982.2, NM_001323983.1 and 2 more transcripts); c.1342C>T, p.Arg448Trp (NM_001290309.3); c.1282C>T, p.Arg428Trp (NM_001290310.3); c.541C>T, p.Arg181Trp (NM_001290312.1, NM_001323987.1, NM_001323988.1 and 17 more transcripts); c.1558C>T, p.Arg520Trp (NM_001323986.2); c.202C>T, p.Arg68Trp (NM_001324006.1, NM_001324007.1, NM_001324008.1 and 2 more transcripts); c.448C>T, p.Arg150Trp (NM_001324011.1); c.298C>T, p.Arg100Trp (NM_001324012.1, NM_001324013.1); and 1 more; short protein forms R448W, R551W, R100W, R150W, R428W, R520W, R181W, R68W.
Identifiers: ClinVar variation 836078 (VCV000836078.10), dbSNP rs1763613333, ClinGen allele CA361131897.